The following is an entry in ClinVar:

ClinVar aggregate classification (germline): Uncertain significance. Review status: criteria provided, multiple submitters, no conflicts (2 of 4 stars). 4 submissions from 4 submitters: Uncertain significance (4). Last evaluated 2025-08-14.

Conditions:
Marfan syndrome (MFS). Also called: MARFAN SYNDROME, TYPE I; Marfan syndrome type 1; Marfan's syndrome; FBN1-Related Marfan Syndrome; Marfan syndrome, classic. Identifiers: Orphanet 284963, Orphanet 558, MedGen C0024796, MONDO:0007947, OMIM 154700.
Familial thoracic aortic aneurysm and aortic dissection (TAAD). Also called: Thoracic aortic aneurysms and dissections. Identifiers: Orphanet 91387, MedGen C4707243, MONDO:0019625.

gnomAD v4.1: 15 of 1,614,118 alleles (0.00093%); highest among the groups gnomAD compares: South Asian, 0.016%; no homozygotes.

Submissions (4):

Labcorp Genetics (formerly Invitae), Labcorp
Classification: Uncertain significance for Marfan syndrome; Familial thoracic aortic aneurysm and aortic dissection. Last evaluated: 2025-08-14. Review status: criteria provided, single submitter. Criteria: Invitae Variant Classification Sherloc (09022015). Collection method: clinical testing. Allele origin: germline.
Comment: This sequence change replaces threonine, which is neutral and polar, with isoleucine, which is neutral and non-polar, at codon 1069 of the FBN1 protein (p.Thr1069Ile). This variant is present in population databases (rs753611690, gnomAD 0.01%). This variant has not been reported in the literature in individuals affected with FBN1-related conditions. ClinVar contains an entry for this variant (Variation ID: 3386820). An algorithm developed to predict the effect of missense changes on protein structure and function (PolyPhen-2) suggests that this variant is likely to be disruptive. Algorithms developed to predict the effect of sequence changes on RNA splicing suggest that this variant may disrupt the consensus splice site. In summary, the available evidence is currently insufficient to determine the role of this variant in disease. Therefore, it has been classified as a Variant of Uncertain Significance.

All of Us Research Program, National Institutes of Health
Classification: Uncertain significance for Marfan syndrome. Last evaluated: 2024-07-20. Review status: criteria provided, single submitter. Criteria: ACMG Guidelines, 2015. Collection method: clinical testing. Allele origin: germline. Inheritance: Autosomal dominant inheritance. Observed: 1 variant allele, 1 heterozygote.
Comment: This missense variant replaces threonine with isoleucine at codon 1069 of the FBN1 protein. Computational prediction tools indicate that this variant's impact on protein structure and function is inconclusive. To our knowledge, functional studies have not been reported for this variant. This variant has not been reported in individuals affected with FBN1-related disorders in the literature. This variant has been identified in 3/251492 chromosomes in the general population by the Genome Aggregation Database (gnomAD). The available evidence is insufficient to determine the role of this variant in disease conclusively. Therefore, this variant is classified as a Variant of Uncertain Significance.

This study involves interpretation of variants in research participants for the purpose of population health screening. Participant phenotype was not available at the time of variant classification. Additional details can be found in publication PMID: 35346344, PMCID: PMC8962531

Color Diagnostics, LLC DBA Color Health
Classification: Uncertain significance for Familial thoracic aortic aneurysm and aortic dissection. Last evaluated: 2024-07-13. Review status: criteria provided, single submitter. Criteria: ACMG Guidelines, 2015. Collection method: clinical testing. Allele origin: germline.
Comment: This missense variant replaces threonine with isoleucine at codon 1069 of the FBN1 protein. Computational prediction tools indicate that this variant's impact on protein structure and function is inconclusive. To our knowledge, functional studies have not been reported for this variant. This variant has not been reported in individuals affected with FBN1-related disorders in the literature. This variant has been identified in 3/251492 chromosomes in the general population by the Genome Aggregation Database (gnomAD). The available evidence is insufficient to determine the role of this variant in disease conclusively. Therefore, this variant is classified as a Variant of Uncertain Significance.

Blueprint Genetics
Classification: Uncertain significance. Last evaluated: 2024-02-28. Review status: criteria provided, single submitter. Criteria: ACMG Guidelines, 2015. Collection method: clinical testing. Allele origin: germline.

NM_000138.5(FBN1):c.3206C>T (p.Thr1069Ile)

Gene: FBN1 (fibrillin 1; minus strand). Cytogenetic location: 15q21.1.
Variant type: single nucleotide variant.
Coding change: c.3206C>T on transcript NM_000138.5 (MANE Select); coding-DNA position 3206, C replaced by T.
Protein change: p.Thr1069Ile; replaces threonine 1069 with isoleucine.
Molecular consequence: missense variant.
Genome position (GRCh38, 1-based): chr15:48,488,370, G>A on the plus strand (C>T on the coding strand, the complement: FBN1 is on the minus strand). VCF-style: chr15-48488370-G-A. GRCh37 (hg19) VCF-style: chr15-48780567-G-A.
Other names: c.3206C>T, p.Thr1069Ile (NM_001406716.1); short protein forms T1069I.
Identifiers: ClinVar variation 3386820 (VCV003386820.4).
Genomic context (GRCh38, chr15:48,488,370, plus strand): 5'-AAGATAAAGAGTTTTAAAGGACGTCCCCTCTCCTGGCCCTTAAGGCTCATTAACTGACCT[G>A]TGCAGTTCCTTTCTTCAGAATCAAGAGCAAAGCCGCTGTCACACCTGCACTTAAAGCTGC-3'
Protein context (NP_000129.3, residues 1059-1079): FALDSEERNC[Thr1069Ile]DIDECRISPD